The following is an entry in ClinVar:

NM_001378418.1(TCF20):c.3986C>G (p.Pro1329Arg)

Gene: TCF20 (transcription factor 20; minus strand). Cytogenetic location: 22q13.2.
Variant type: single nucleotide variant.
Coding change: c.3986C>G on transcript NM_001378418.1 (MANE Select); coding-DNA position 3986, C replaced by G.
Protein change: p.Pro1329Arg; replaces proline 1329 with arginine.
Molecular consequence: missense variant.
Genome position (GRCh38, 1-based): chr22:42,211,320, G>C on the plus strand (C>G on the coding strand, the complement: TCF20 is on the minus strand). VCF-style: chr22-42211320-G-C. GRCh37 (hg19) VCF-style: chr22-42607326-G-C.
Other names: c.3986C>G, p.Pro1329Arg (NM_005650.4, NM_181492.3); short protein forms P1329R.
Identifiers: ClinVar variation 1804390 (VCV001804390.2), dbSNP rs776058464, ClinGen allele CA10266736.

ClinVar aggregate classification (germline): Conflicting classifications of pathogenicity. Review status: criteria provided, conflicting classifications (1 of 4 stars). 2 submissions from 2 submitters: Uncertain significance (1); Likely benign (1). Last evaluated 2025-07-14.

Allele frequency attached by ClinVar (database versions not stated): ExAC 0.00001.

Submissions (2):

Labcorp Genetics (formerly Invitae), Labcorp
Classification: Likely benign. Last evaluated: 2025-07-14. Review status: criteria provided, single submitter. Criteria: Invitae Variant Classification Sherloc (09022015). Collection method: clinical testing. Allele origin: germline.

GeneDx
Classification: Uncertain significance. Last evaluated: 2022-06-14. Review status: criteria provided, single submitter. Criteria: GeneDx Variant Classification Process June 2021. Collection method: clinical testing. Allele origin: germline. Affected: yes.
Comment: In silico analysis supports that this missense variant does not alter protein structure/function; Has not been previously published as pathogenic or benign to our knowledge